The following is an entry in ClinVar:

NM_173630.4(RTTN):c.4564+2T>C

Gene: RTTN (rotatin; minus strand). Cytogenetic location: 18q22.2.
Variant type: single nucleotide variant.
Coding change: c.4564+2T>C on transcript NM_173630.4 (MANE Select); the canonical splice donor site of the intron after coding-DNA position 4564, T replaced by C.
Molecular consequence: splice donor variant.
Genome position (GRCh38, 1-based): chr18:70,075,350, A>G on the plus strand (T>C on the coding strand, the complement: RTTN is on the minus strand). VCF-style: chr18-70075350-A-G. GRCh37 (hg19) VCF-style: chr18-67742586-A-G.
Other names: c.1828+2T>C (NM_001318520.2).
Identifiers: ClinVar variation 3619627 (VCV003619627.2).

ClinVar aggregate classification (germline): Likely pathogenic (1 of 4 stars; one submission).

gnomAD v4.1: 2 of 1,550,496 alleles (0.00013%); highest among the groups gnomAD compares: African/African-American, 0.0028%; no homozygotes.

Submission:

Labcorp Genetics (formerly Invitae), Labcorp
Classification: Likely pathogenic. Last evaluated: 2025-03-04. Review status: criteria provided, single submitter. Criteria: Invitae Variant Classification Sherloc (09022015). Collection method: clinical testing. Allele origin: germline.
Comment: This sequence change affects a donor splice site in intron 33 of the RTTN gene. It is expected to disrupt RNA splicing. Variants that disrupt the donor or acceptor splice site typically lead to a loss of protein function (PMID: 16199547), and loss-of-function variants in RTTN are known to be pathogenic (PMID: 26608784, 26846091). This variant is present in population databases (no rsID available, gnomAD 0.01%). This variant has not been reported in the literature in individuals affected with RTTN-related conditions. Algorithms developed to predict the effect of sequence changes on RNA splicing suggest that this variant may disrupt the consensus splice site. In summary, the currently available evidence indicates that the variant is pathogenic, but additional data are needed to prove that conclusively. Therefore, this variant has been classified as Likely Pathogenic.

Literature cited by the submitters: PubMed 16199547; PubMed 26608784; PubMed 26846091.